The following is an entry in ClinVar:

NM_007294.4(BRCA1):c.3910G>T (p.Glu1304Ter)

Genes: BRCA1 (BRCA1 DNA repair associated; minus strand), LOC126862571 (BRD4-independent group 4 enhancer GRCh37_chr17:41243136-41244335; plus strand). Cytogenetic location: 17q21.31.
Variant type: single nucleotide variant.
Coding change: c.3910G>T on transcript NM_007294.4 (MANE Select); coding-DNA position 3910, G replaced by T.
Protein change: p.Glu1304Ter; replaces glutamic acid 1304 with a stop codon.
Molecular consequence: nonsense. On other transcripts: intron variant (135).
Genome position (GRCh38, 1-based): chr17:43,091,621, C>A on the plus strand (G>T on the coding strand, the complement: BRCA1 is on the minus strand). VCF-style: chr17-43091621-C-A. GRCh37 (hg19) VCF-style: chr17-41243638-C-A.
Other names: c.3697G>T, p.Glu1233Ter (NM_001407571.1, NM_001407853.1, NM_001407894.1 and 9 more transcripts); c.3910G>T, p.Glu1304Ter (NM_001407581.1, NM_001407582.1, NM_001407583.1 and 30 more transcripts); c.3907G>T, p.Glu1303Ter (NM_001407587.1, NM_001407610.1, NM_001407611.1 and 22 more transcripts); c.3901G>T, p.Glu1301Ter (NM_001407646.1, NM_001407647.1); c.3787G>T, p.Glu1263Ter (NM_001407648.1, NM_001407664.1, NM_001407665.1 and 19 more transcripts); c.3784G>T, p.Glu1262Ter (NM_001407649.1, NM_001407670.1, NM_001407671.1 and 11 more transcripts); c.3832G>T, p.Glu1278Ter (NM_001407653.1, NM_001407654.1, NM_001407655.1 and 4 more transcripts); c.3829G>T, p.Glu1277Ter (NM_001407659.1, NM_001407660.1, NM_001407661.1 and 1 more transcripts); and 41 more; short protein forms E1304*, E1257*, E1233*, E1277*, E1303*, E1136*, E1192*, E1215*.
Identifiers: ClinVar variation 254447 (VCV000254447.11), dbSNP rs886038028, ClinGen allele CA10586615.

ClinVar aggregate classification (germline): Pathogenic. Review status: reviewed by expert panel (3 of 4 stars). 3 submissions from 3 submitters: Pathogenic (1). 2 of the submissions do not count toward it. Last evaluated 2016-09-08.

Conditions:
Hereditary cancer-predisposing syndrome. Also called: Hereditary Cancer Syndrome; Neoplastic Syndromes, Hereditary; Hereditary neoplastic syndrome; Tumor predisposition. Identifiers: Orphanet 140162, MedGen C0027672, MeSH D009386, MONDO:0015356.
Hereditary breast ovarian cancer syndrome. Also called: Hereditary breast and ovarian cancer syndrome (HBOC); Breast and ovarian cancer; Hereditary breast and ovarian cancer syndrome; Hereditary breast and ovarian cancer; BRCA1- and BRCA2-Associated Hereditary Breast and Ovarian Cancer; Hereditary breast and/or ovarian cancer syndrome. Identifiers: Orphanet 145, MedGen C0677776, MeSH D061325, MONDO:0003582. Disease mechanism: loss of function.
Breast-ovarian cancer, familial, susceptibility to, 1 (BROVCA1). Also called: BRCA1 Hereditary Breast and Ovarian Cancer; OVARIAN CANCER, SUSCEPTIBILITY TO. Identifiers: Orphanet 145, MedGen C2676676, MONDO:0011450, OMIM 604370. Disease mechanism: loss of function.

Submissions (3):

Evidence-based Network for the Interpretation of Germline Mutant Alleles (ENIGMA)
Classification: Pathogenic for Breast-ovarian cancer, familial, susceptibility to, 1. Last evaluated: 2016-09-08. Review status: reviewed by expert panel. Criteria: ENIGMA BRCA1/2 Classification Criteria (2015). Collection method: curation. Allele origin: germline.
Comment: Variant allele predicted to encode a truncated non-functional protein.

Labcorp Genetics (formerly Invitae), Labcorp
Classification: Pathogenic for Hereditary breast ovarian cancer syndrome. Last evaluated: 2022-07-19. Review status: criteria provided, single submitter. Criteria: Invitae Variant Classification Sherloc (09022015). Collection method: clinical testing. Allele origin: germline. Not counted in ClinVar's aggregate classification.
Comment: This sequence change creates a premature translational stop signal (p.Glu1304*) in the BRCA1 gene. It is expected to result in an absent or disrupted protein product. Loss-of-function variants in BRCA1 are known to be pathogenic (PMID: 20104584). This variant is not present in population databases (gnomAD no frequency). This variant has not been reported in the literature in individuals affected with BRCA1-related conditions. ClinVar contains an entry for this variant (Variation ID: 254447). Algorithms developed to predict the effect of sequence changes on RNA splicing suggest that this variant may disrupt the consensus splice site. For these reasons, this variant has been classified as Pathogenic.

Ambry Genetics
Classification: Pathogenic for Hereditary cancer-predisposing syndrome. Last evaluated: 2019-05-17. Review status: criteria provided, single submitter. Criteria: Ambry Variant Classification Scheme 2023. Collection method: clinical testing. Allele origin: germline. Not counted in ClinVar's aggregate classification.
Comment: The p.E1304* pathogenic mutation (also known as c.3910G>T), located in coding exon 9 of the BRCA1 gene, results from a G to T substitution at nucleotide position 3910. This changes the amino acid from a glutamic acid to a stop codon within coding exon 9. This alteration is expected to result in loss of function by premature protein truncation or nonsense-mediated mRNA decay. As such, this alteration is interpreted as a disease-causing mutation.

Literature cited by the submitters: PubMed 20104584 (cited by Labcorp Genetics (formerly Invitae), Labcorp).